The following is an entry in ClinVar:

ClinVar aggregate classification (germline): Conflicting classifications of pathogenicity. Review status: criteria provided, conflicting classifications (1 of 4 stars). 5 submissions from 5 submitters: Uncertain significance (4); Likely benign (1). Last evaluated 2025-10-13.

Conditions:
Hereditary breast ovarian cancer syndrome. Also called: Hereditary breast and ovarian cancer; Hereditary breast and/or ovarian cancer syndrome; BRCA1- and BRCA2-Associated Hereditary Breast and Ovarian Cancer; Hereditary breast and ovarian cancer syndrome; Hereditary breast and ovarian cancer syndrome (HBOC); Breast and ovarian cancer. Identifiers: Orphanet 145, MedGen C0677776, MeSH D061325, MONDO:0003582. Disease mechanism: loss of function.
Hereditary cancer-predisposing syndrome. Also called: Tumor predisposition; Hereditary Cancer Syndrome; Hereditary neoplastic syndrome; Neoplastic Syndromes, Hereditary. Identifiers: Orphanet 140162, MedGen C0027672, MeSH D009386, MONDO:0015356.

Allele frequency attached by ClinVar (database versions not stated): gnomAD exomes below 0.00001 and 0.00001; gnomAD 0.00001.
gnomAD v4.1: 4 of 1,609,958 alleles (0.00025%); highest among the groups gnomAD compares: Non-Finnish European, 0.00034%; no homozygotes.

Submissions (5):

Labcorp Genetics (formerly Invitae), Labcorp
Classification: Uncertain significance for Hereditary breast ovarian cancer syndrome. Last evaluated: 2025-10-13. Review status: criteria provided, single submitter. Criteria: Invitae Variant Classification Sherloc (09022015). Collection method: clinical testing. Allele origin: germline.
Comment: This sequence change replaces asparagine, which is neutral and polar, with serine, which is neutral and polar, at codon 528 of the BRCA2 protein (p.Asn528Ser). This variant is present in population databases (no rsID available, gnomAD 0.0009%). This variant has not been reported in the literature in individuals affected with BRCA2-related conditions. ClinVar contains an entry for this variant (Variation ID: 409437). Invitae Evidence Modeling of protein sequence and biophysical properties (such as structural, functional, and spatial information, amino acid conservation, physicochemical variation, residue mobility, and thermodynamic stability) indicates that this missense variant is not expected to disrupt BRCA2 protein function with a negative predictive value of 95%. In summary, the available evidence is currently insufficient to determine the role of this variant in disease. Therefore, it has been classified as a Variant of Uncertain Significance.

Quest Diagnostics Nichols Institute San Juan Capistrano
Classification: Uncertain significance. Last evaluated: 2025-02-28. Review status: criteria provided, single submitter. Criteria: Quest Diagnostics criteria. Collection method: clinical testing. Allele origin: unknown.
Comment: The BRCA2 c.1583A>G (p.Asn528Ser) variant has been reported in the published literature in individuals with breast cancer in a large scale breast cancer association study (PMID: 33471991 (2021), see also LOVD). This variant has been reported to be located in a region of the BRCA2 gene that is tolerant to missense sequence changes (PMID: 31911673 (2020)). The frequency of this variant in the general population (Genome Aggregation Database) is uninformative in the assessment of its pathogenicity. Analysis of this variant using bioinformatics tools for the prediction of the effect of amino acid changes on protein structure and function yielded predictions that this variant is benign. Based on the available information, we are unable to determine the clinical significance of this variant.

Ambry Genetics
Classification: Uncertain significance for Hereditary cancer-predisposing syndrome. Last evaluated: 2024-10-28. Review status: criteria provided, single submitter. Criteria: Ambry Variant Classification Scheme 2023. Collection method: clinical testing. Allele origin: germline.
Comment: The p.N528S variant (also known as c.1583A>G), located in coding exon 9 of the BRCA2 gene, results from an A to G substitution at nucleotide position 1583. The asparagine at codon 528 is replaced by serine, an amino acid with highly similar properties. In one study, this alteration was identified in 1/560 breast cancer patients (Davies H et al. Nat. Med., 2017 Apr;23:517-525). This amino acid position is not well conserved in available vertebrate species. In addition, this alteration is predicted to be tolerated by in silico analysis. Since supporting evidence is limited at this time, the clinical significance of this alteration remains unclear.

University of Washington Department of Laboratory Medicine, University of Washington
Classification: Likely benign for Hereditary cancer-predisposing syndrome. Last evaluated: 2023-03-23. Review status: criteria provided, single submitter. Criteria: Dines et al. (Genet Med. 2020). Collection method: curation. Allele origin: germline.
Comment: Missense variant in a coldspot region where missense variants are very unlikely to be pathogenic (PMID:31911673).

BRCA2 exon 10 coldspot. Reclassification based on statistical prior probability.

Color Diagnostics, LLC DBA Color Health
Classification: Uncertain significance for Hereditary cancer-predisposing syndrome. Last evaluated: 2020-03-23. Review status: criteria provided, single submitter. Criteria: ACMG Guidelines, 2015. Collection method: clinical testing. Allele origin: germline.
Comment: This missense variant replaces asparagine with serine at codon 528 of the BRCA2 protein. Computational prediction suggests that this variant may not impact protein structure and function (internally defined REVEL score threshold <= 0.5, PMID: 27666373). Splice site prediction tools suggest that this variant may not impact RNA splicing. To our knowledge, functional studies have not been reported for this variant. This variant has not been reported in individuals affected with hereditary cancer in the literature but has been reported in the Leiden Variation database in a sample affected with breast cancer (PMID: 21520333). This variant has been identified in 1/246910 chromosomes in the general population by the Genome Aggregation Database (gnomAD). The available evidence is insufficient to determine the role of this variant in disease conclusively. Therefore, this variant is classified as a Variant of Uncertain Significance.

Literature cited by the submitters: PubMed 33471991 (cited by Quest Diagnostics Nichols Institute San Juan Capistrano); PubMed 31911673 (cited by Quest Diagnostics Nichols Institute San Juan Capistrano); PubMed 28288110 (cited by Ambry Genetics).

NM_000059.4(BRCA2):c.1583A>G (p.Asn528Ser)

Gene: BRCA2 (BRCA2 DNA repair associated; plus strand). Cytogenetic location: 13q13.1.
Variant type: single nucleotide variant.
Coding change: c.1583A>G on transcript NM_000059.4 (MANE Select); coding-DNA position 1583, A replaced by G.
Protein change: p.Asn528Ser; replaces asparagine 528 with serine.
Molecular consequence: missense variant.
Genome position (GRCh38, 1-based): chr13:32,333,061, A>G. VCF-style: chr13-32333061-A-G. GRCh37 (hg19) VCF-style: chr13-32907198-A-G.
Other names: short protein forms N528S.
Identifiers: ClinVar variation 409437 (VCV000409437.18), dbSNP rs1060502393, ClinGen allele CA16613933.